The following is an entry in ClinVar:

ClinVar aggregate classification (germline): Uncertain significance (1 of 4 stars; one submission).

Conditions:
Candidiasis, familial, 9 (CANDF9). Identifiers: Orphanet 1334, MedGen C4225324, MONDO:0014642, OMIM 616445.

gnomAD v4.1: 1 of 1,611,982 alleles (0.000062%); highest among the groups gnomAD compares: Non-Finnish European, 0.000085%; no homozygotes.

Submission:

Labcorp Genetics (formerly Invitae), Labcorp
Classification: Uncertain significance for Candidiasis, familial, 9. Last evaluated: 2021-03-12. Review status: criteria provided, single submitter. Criteria: Invitae Variant Classification Sherloc (09022015). Collection method: clinical testing. Allele origin: germline.
Comment: This sequence change replaces alanine with valine at codon 77 of the IL17RC protein (p.Ala77Val). The alanine residue is weakly conserved and there is a small physicochemical difference between alanine and valine. This variant is not present in population databases (ExAC no frequency). This variant has not been reported in the literature in individuals with IL17RC-related conditions. Algorithms developed to predict the effect of missense changes on protein structure and function output the following: SIFT: "Tolerated"; PolyPhen-2: "Benign"; Align-GVGD: "Class C0". The valine amino acid residue is found in multiple mammalian species, suggesting that this missense change does not adversely affect protein function. These predictions have not been confirmed by published functional studies and their clinical significance is uncertain. In summary, the available evidence is currently insufficient to determine the role of this variant in disease. Therefore, it has been classified as a Variant of Uncertain Significance.

NM_153460.4(IL17RC):c.105+125C>T

Gene: IL17RC (interleukin 17 receptor C; plus strand). Cytogenetic location: 3p25.3.
Variant type: single nucleotide variant.
Coding change: c.105+125C>T on transcript NM_153460.4 (MANE Select); 125 bases into the intron after coding-DNA position 105, C replaced by T.
Molecular consequence: intron variant. On other transcripts: missense variant (1).
Genome position (GRCh38, 1-based): chr3:9,917,545, C>T. VCF-style: chr3-9917545-C-T. GRCh37 (hg19) VCF-style: chr3-9959229-C-T.
Other names: c.230C>T, p.Ala77Val (NM_153461.4); c.105+125C>T (NM_001203263.2, NM_001203264.2, NM_001367278.1 and 4 more transcripts); short protein forms A77V.
Identifiers: ClinVar variation 1415972 (VCV001415972.8), dbSNP rs865832079, ClinGen allele CA70010142.
Genomic context (GRCh38, chr3:9,917,545, plus strand): 5'-TTAGCCTGGCTCCTGTCACTGCTGCCACTGCCAGAACTGCCCTGTCTGGTCTGTCTGGTG[C>T]TGATGGTAGAAGAGAAGAACGGGGAAGGGGCAAGAGCTGGGTCTGTCTTTCTCTGGGAGG-3'